The following continues an entry in ClinVar:

NM_144997.7(FLCN):c.1389C>G (p.Tyr463Ter)

Gene: FLCN. ClinVar aggregate classification (germline): Pathogenic. Pathogenic (17).

Submissions 12 to 18 of 18:

Quest Diagnostics Nichols Institute San Juan Capistrano
Classification: Pathogenic. Last evaluated: 2022-12-15. Review status: criteria provided, single submitter. Criteria: Quest Diagnostics criteria. Collection method: clinical testing. Allele origin: unknown.
Comment: This nonsense variant causes the premature termination of FLCN protein synthesis. This variant has not been reported in large, multi-ethnic general populations. In the published literature, the variant has been reported in families with Birt-Hogg-Dube (BHD) syndrome (PMID: 12204536 (2002), 15852235 (2005), 18234728 (2008), and 23784378 (2013)). Based on the available information, this variant is classified as pathogenic.

GeneDx
Classification: Pathogenic. Last evaluated: 2021-12-06. Review status: criteria provided, single submitter. Criteria: GeneDx Variant Classification Process June 2021. Collection method: clinical testing. Allele origin: germline. Affected: yes.
Comment: Nonsense variant predicted to result in protein truncation or nonsense mediated decay in a gene for which loss-of-function is a known mechanism of disease; Not observed at significant frequency in large population cohorts (Lek et al., 2016); Also known as c.1844C>G; This variant is associated with the following publications: (PMID: 19802896, 15852235, 18234728, 23784378, 25525159, 25126726, 28869776, 19562744, 29357828, 31008171, 12204536)

St. Jude Molecular Pathology, St. Jude Children's Research Hospital
Classification: Pathogenic for Birt-Hogg-Dube syndrome 1. Last evaluated: 2021-07-15. Review status: criteria provided, single submitter. Criteria: St. Jude Assertion Criteria 2020. Collection method: clinical testing. Allele origin: germline.
Comment: The FLCN c.1389C>G (p.Tyr463Ter) change is a nonsense variant that is predicted to cause premature protein truncation and loss of normal protein function (PVS1). This variant is absent in gnomAD v2.1.1 (PM2_Supporting). This variant has been reported in several families with Birt-Hogg-DubÃ© syndrome (PS4; PMID: 12204536, 15852235, 18234728), including one large family where the mutation co-segregated with disease in six of six affected individuals (PP1; PMID: 12204536). In summary, this variant meets criteria to be classified as pathogenic based on the ACMG/AMP criteria: PVS1, PS4, PM2_Supporting, PP1.

Blueprint Genetics
Classification: Pathogenic for FLCN-related disorders. Last evaluated: 2021-01-26. Review status: criteria provided, single submitter. Criteria: ACMG Guidelines, 2015. Collection method: clinical testing. Allele origin: germline. Affected: yes. Observed: 2 variant alleles.

Women's Health and Genetics/Laboratory Corporation of America, LabCorp
Classification: Pathogenic for Pneumothorax, primary spontaneous. Last evaluated: 2017-12-04. Review status: criteria provided, single submitter. Criteria: LabCorp Variant Classification Summary - May 2015. Collection method: clinical testing. Allele origin: germline.
Comment: Variant summary: The FLCN c.1389C>G (p.Tyr463X) variant results in a premature termination codon, predicted to cause a truncated or absent FLCN protein due to nonsense mediated decay, which are commonly known mechanisms for disease. One in silico tool predicts a damaging outcome for this variant. One functional study showed increased interaction with the autophagy kinase ULK1 with this variant as well as impaired binding to the GABA(A) receptor-associated protein and higher levels of sequestome 1 (SQSTM1)( Dunlop_FLCN_Autophagy_2014). This variant is absent in 246200 control chromosomes in gnomAD. In addition, multiple clinical diagnostic laboratories/reputable databases classified this variant as pathogenic. This variant was found in multiple patients with Birt-Hogg-Dube syndrome (Schmidt_FLCN_2005). Taken together, this variant is classified as pathogenic.

Genomic Diagnostic Laboratory, Division of Genomic Diagnostics, Children's Hospital of Philadelphia
Classification: Pathogenic for Birt-Hogg-Dube Syndrome. Last evaluated: 2016-07-18. Review status: criteria provided, single submitter. Criteria: DGD Variant Analysis Guidelines. Collection method: clinical testing. Allele origin: germline. Affected: yes. Observed: 13 variant alleles.
Comment: Clinical Testing

OMIM
Classification: Pathogenic for BIRT-HOGG-DUBE SYNDROME 1. Last evaluated: 2009-09-01. Review status: no assertion criteria provided. Collection method: literature only. Allele origin: germline. Not counted in ClinVar's aggregate classification.

Literature cited by the submitters: PubMed 15852235 (cited by 6 submitters); PubMed 12204536 (cited by 6 submitters); PubMed 18234728 (cited by 5 submitters); PubMed 23784378 (cited by 3 submitters); PubMed 25126726 (cited by 3 submitters); PubMed 19562744 (cited by Institute for Genomic Medicine (IGM) Clinical Laboratory, Nationwide Children's Hospital and OMIM); PubMed 19802896 (cited by Institute for Genomic Medicine (IGM) Clinical Laboratory, Nationwide Children's Hospital).